The following is an entry in ClinVar:

NM_001267550.2(TTN):c.38442dup (p.Pro12815fs)

Gene: TTN (titin; minus strand). Cytogenetic location: 2q31.2.
Variant type: Duplication.
Coding change: c.38442dup on transcript NM_001267550.2 (MANE Select); coding-DNA position 38442, one base duplicated (A; older notation c.38442dupA).
Protein change: p.Pro12815fs; shifts the reading frame from proline 12815.
Molecular consequence: frameshift variant. On other transcripts: intron variant (5).
Genome position (GRCh38, 1-based): chr2:178,654,034, T duplicated on the plus strand (A on the coding strand, the reverse complement: TTN is on the minus strand); the first of 6 consecutive T bases (chr2:178,654,034-178,654,039); duplicating any one gives the same sequence. VCF-style (leftmost placement, unchanged base first): chr2-178654033-G-GT. GRCh37 (hg19) VCF-style: chr2-179518760-G-GT.
Other names: c.13283-11722dup (NM_003319.4); c.13859-11722dup (NM_133437.4); c.13658-11722dup (NM_133432.3); c.31742-1498dup (NM_133378.4); c.34523-1498dup (NM_001256850.1); c.38442dupA (NM_001267550.2); c.31742-1493dup (NM_133378.4); short protein forms P12815fs.
Identifiers: ClinVar variation 1048770 (VCV001048770.15), dbSNP rs752101551, ClinGen allele CA1997131.

ClinVar aggregate classification (germline): Conflicting classifications of pathogenicity. Review status: criteria provided, conflicting classifications (1 of 4 stars). 8 submissions from 8 submitters: Pathogenic (4); Likely pathogenic (1); Uncertain significance (3). Last evaluated 2026-07-27.

Conditions:
Myopathy, myofibrillar, 9, with early respiratory failure (MFM9). Also called: MYOPATHY, PROXIMAL, WITH EARLY RESPIRATORY MUSCLE INVOLVEMENT; Hereditary myopathy with early respiratory failure; EDSTROM MYOPATHY; Myopathy, distal, with early respiratory failure, autosomal dominant. Identifiers: Orphanet 178464, Orphanet 34521, MedGen C1863599, MONDO:0011362, OMIM 603689.
Early-onset myopathy with fatal cardiomyopathy (CMYO5). Also called: Salih Myopathy; CONGENITAL MYOPATHY 5 WITH CARDIOMYOPATHY. Identifiers: Orphanet 289377, MedGen C2673677, MONDO:0012714, OMIM 611705. Disease mechanism: loss of function.
Dilated cardiomyopathy 1G (CMD1G). Identifiers: Orphanet 154, MedGen C1858763, MONDO:0011400, OMIM 604145.
Autosomal recessive limb-girdle muscular dystrophy type 2J (LGMDR10). Also called: Limb-girdle muscular dystrophy, type 2J; MUSCULAR DYSTROPHY, LIMB-GIRDLE, AUTOSOMAL RECESSIVE 10. Identifiers: Orphanet 140922, MedGen C1837342, MONDO:0012127, OMIM 608807.
TTN-related disorder. Also called: TTN-related disorders; TTN-related condition; TTN-related disease.

Submissions (8):

GeneDx
Classification: Pathogenic. Last evaluated: 2026-07-27. Review status: criteria provided, single submitter. Criteria: GeneDx Variant Classification Process June 2021. Collection method: clinical testing. Allele origin: germline.
Comment: Frameshift variant predicted to result in protein truncation or nonsense mediated decay in a gene for which loss of function is a known mechanism of disease; Located in a region of TTN in which the majority of pathogenic variants have been reported in association with autosomal recessive skeletal myopathies (PMID: 28040389, 29575618, 31660661, 32778822); This variant is associated with the following publications: (PMID: 24575448, 36495114, 37497165, 28040389, 29575618, 31660661, 32778822, 38050027)

PreventionGenetics, part of Exact Sciences
Classification: Pathogenic for TTN-related condition. Last evaluated: 2026-07-22. Review status: criteria provided, single submitter. Criteria: ACMG Guidelines, 2015. Collection method: clinical testing. Allele origin: germline.
Comment: The TTN c.38442dupA variant is predicted to result in a frameshift and premature protein termination (p.Pro12815Thrfs*37). This variant has been reported in the homozygous and compound heterozygous states, along with a nonsense variant, in neonates with severe titinopathy (Family B in Alkhunaizi et al. 2023. PubMed ID: 36495114; Balasundaram et al. 2023. PubMed ID: 37497165). Additionally, it has been reported along with a splice variant in an individual with infancy-onset TTN-related neuromuscular phenotypes (Supplementary Table 2, Meyer et al. 2024. PubMed ID: 38050027). At PreventionGenetics, we have observed this variant in the compound heterozygous state with another protein truncating TTN variant in two other patients with congenital titinopathy clinical features (Gruber et al. 2020. doi:10.1016/j.nmd.2020.08.099). A similar nearby homozygous deletion (c.38661_38665del) in this region has been reported in a patient with high arched palate, severe axial hypotonia, distal contractures, equinovarus feet, bilateral dislocated hips, and spiral fractures of both humerus bones and the left femur (Fernández-Marmiesse et al. 2017. PubMed ID: 28040389). This variant is located in the I-band region of the TTN protein. RNAseq studies from heart tissue indicate this exon is not commonly included in TTN mRNA transcripts (PSI of 5%, Roberts et al. 2015. PubMed ID: 25589632). TTN loss-of-function variants occurring in non-constitutively expressed exons (PSI < 90%) are less likely to be disease causing for TTN cardiac-related disorders (Roberts et al. 2015. PubMed ID: 25589632; Schafer et al. 2017. PubMed ID: 27869827; Akhtar et al. 2020. PubMed ID: 32964742). Many cases of recessive TTN-related myopathies in which the individual is compound heterozygous for two loss-of-function variants in TTN have also been reported (Oates et al. 2018. PubMed ID: 29691892; Ge et al. 2019. PubMed ID: 31053406; Rees et al. 2021. PubMed ID: 33449170). In summary, this variant is pathogenic for autosomal recessive TTN-related congenital titinopathies. However, it is uncertain if this variant would be causative for autosomal dominant TTN-related disorders.

Revvity Omics, Revvity
Classification: Likely pathogenic. Last evaluated: 2025-02-25. Review status: criteria provided, single submitter. Criteria: ACMG Guidelines, 2015. Collection method: clinical testing. Allele origin: germline.

Greenwood Genetic Center Diagnostic Laboratories, Greenwood Genetic Center
Classification: Pathogenic for TTN-related disorder. Last evaluated: 2024-10-30. Review status: criteria provided, single submitter. Criteria: ACMG Guidelines, 2015. Collection method: clinical testing. Allele origin: germline. Affected: yes.
Comment: PVS1, PM2, PM3

Department of Pathology and Laboratory Medicine, Sinai Health System
Classification: Uncertain significance for Autosomal recessive limb-girdle muscular dystrophy type 2J; Dilated cardiomyopathy 1G; Early-onset myopathy with fatal cardiomyopathy; Myopathy, myofibrillar, 9, with early respiratory failure. Last evaluated: 2023-04-17. Review status: criteria provided, single submitter. Criteria: ACMG Guidelines, 2015. Collection method: research. Allele origin: germline.

Laboratorio de Genetica e Diagnostico Molecular, Hospital Israelita Albert Einstein
Classification: Uncertain significance for Early-onset myopathy with fatal cardiomyopathy. Last evaluated: 2022-07-04. Review status: criteria provided, single submitter. Criteria: ACMG Guidelines, 2015. Collection method: clinical testing. Allele origin: germline. Affected: yes. Observed: 1 variant allele.
Comment: ACMG classification criteria: PVS1 very strong

AiLife Diagnostics
Classification: Uncertain significance. Last evaluated: 2021-09-28. Review status: criteria provided, single submitter. Criteria: ACMG Guidelines, 2015. Collection method: clinical testing. Allele origin: germline. Affected: yes. Observed: 1 variant allele.

Johns Hopkins Genomics, Johns Hopkins University
Classification: Pathogenic for Myopathy, myofibrillar, 9, with early respiratory failure. Last evaluated: 2021-03-16. Review status: criteria provided, single submitter. Criteria: ACMG Guidelines, 2015. Collection method: clinical testing. Allele origin: germline.